The following is an entry in ClinVar:

ClinVar aggregate classification (germline): Pathogenic. Review status: criteria provided, multiple submitters, no conflicts (2 of 4 stars). 2 submissions from 2 submitters: Pathogenic (2). Last evaluated 2024-11-11.

Conditions:
Beckwith-Wiedemann syndrome (BWS). Also called: EMG SYNDROME; Exomphalos macroglossia gigantism syndrome. Identifiers: Orphanet 116, MedGen C0004903, MONDO:0007534, OMIM 130650.

Submissions (2):

3billion
Classification: Pathogenic for Beckwith-Wiedemann syndrome. Last evaluated: 2024-11-11. Review status: criteria provided, single submitter. Criteria: ACMG Guidelines, 2015. Collection method: clinical testing. Allele origin: germline. Affected: yes.
Comment: The variant is not observed in the gnomAD v4.1.0 dataset. Predicted Consequence/Location: Stop-gained (nonsense): predicted to result in a loss or disruption of normal protein function through nonsense-mediated decay (NMD) or protein truncation. Multiple pathogenic variants are reported downstream of the variant. The variant has been reported to be associated with CDKN1C-related disorder (ClinVar ID: VCV000850254 /PMID: 32430359). Therefore, this variant is classified as Pathogenic according to the recommendation of ACMG/AMP guideline.

Labcorp Genetics (formerly Invitae), Labcorp
Classification: Pathogenic for Beckwith-Wiedemann syndrome. Last evaluated: 2019-02-17. Review status: criteria provided, single submitter. Criteria: Invitae Variant Classification Sherloc (09022015). Collection method: clinical testing. Allele origin: germline.
Comment: For these reasons, this variant has been classified as Pathogenic. Loss-of-function variants in CDKN1C are known to be pathogenic (PMID: 20503313). This variant has not been reported in the literature in individuals with CDKN1C-related conditions. The frequency data for this variant in the population databases is considered unreliable, as metrics indicate insufficient coverage at this position in the ExAC database. This sequence change creates a premature translational stop signal (p.Glu130*) in the CDKN1C gene. It is expected to result in an absent or disrupted protein product.

Literature cited by the submitters: PubMed 32430359 (cited by 3billion); PubMed 20503313 (cited by Labcorp Genetics (formerly Invitae), Labcorp).

NM_001122630.2(CDKN1C):c.355G>T (p.Glu119Ter)

Gene: CDKN1C (cyclin dependent kinase inhibitor 1C; minus strand). Cytogenetic location: 11p15.4.
Variant type: single nucleotide variant.
Coding change: c.355G>T on transcript NM_001122630.2 (MANE Select); coding-DNA position 355, G replaced by T.
Protein change: p.Glu119Ter; replaces glutamic acid 119 with a stop codon.
Molecular consequence: nonsense. On other transcripts: intron variant (1).
Genome position (GRCh38, 1-based): chr11:2,885,102, C>A on the plus strand (G>T on the coding strand, the complement: CDKN1C is on the minus strand). VCF-style: chr11-2885102-C-A. GRCh37 (hg19) VCF-style: chr11-2906332-C-A.
Other names: c.388G>T, p.Glu130Ter (NM_000076.2, NM_001362474.2); c.355G>T, p.Glu119Ter (NM_001122631.2); c.255+100G>T (NM_001362475.2); short protein forms E119*, E130*.
Identifiers: ClinVar variation 850254 (VCV000850254.8), dbSNP rs1564930265, ClinGen allele CA379146800.
Genomic context (GRCh38, chr11:2,885,102, plus strand): 5'-GGGGCGGGGTGGACGCCGGGGCCGGGACCGGGACACTAGGCAGCTGCTCCGGCGCCTCCT[C>A]GAGGCCGTCGAGGGACTCAGCGGCCGGCTCGAGGGGCGGGCTGACAGCCACCGCGACCGC-3'